The following is an entry in ClinVar:

NM_001394894.2(NLRP11):c.271+53C>G

Gene: NLRP11 (NLR family pyrin domain containing 11; minus strand). Cytogenetic location: 19q13.43.
Variant type: single nucleotide variant.
Coding change: c.271+53C>G on transcript NM_001394894.2 (MANE Select); 53 bases into the intron after coding-DNA position 271, C replaced by G.
Molecular consequence: intron variant.
Genome position (GRCh38, 1-based): chr19:55,817,851, G>C on the plus strand (C>G on the coding strand, the complement: NLRP11 is on the minus strand). VCF-style: chr19-55817851-G-C. GRCh37 (hg19) VCF-style: chr19-56329217-G-C.
Other names: c.-26-7513C>G (NM_001297743.3); c.271+53C>G (NM_001385451.2, NM_001385453.2, NM_145007.5).
Identifiers: ClinVar variation 103276 (VCV000103276.3), dbSNP rs199476234, ClinGen allele CA230353.

ClinVar aggregate classification (germline): not provided (0 of 4 stars; one submission).

Allele frequency attached by ClinVar (database versions not stated): TOPMed 0.00084; gnomAD 0.00089 and 0.00093; 1000 Genomes Project 0.00120; 1000 Genomes Project 30x 0.00125.
gnomAD v4.1: 234 of 1,357,768 alleles (0.017%); highest among the groups gnomAD compares: African/African-American, 0.29%; no homozygotes.

Submission:

Human Evolutionary Genetics, Institut Pasteur
No classification provided. Review status: no classification provided. Collection method: not provided. Allele origin: germline.
ClinVar note: Converted during submission from untested to not provided.